The following is an entry in ClinVar:

ClinVar aggregate classification (germline): Pathogenic (1 of 4 stars; one submission).

Conditions:
Primary ciliary dyskinesia. Also called: Ciliary dyskinesia. Identifiers: Orphanet 244, MedGen C0008780, MONDO:0016575, HP:0012265.

Submission:

Labcorp Genetics (formerly Invitae), Labcorp
Classification: Pathogenic for Primary ciliary dyskinesia. Last evaluated: 2023-08-07. Review status: criteria provided, single submitter. Criteria: Invitae Variant Classification Sherloc (09022015). Collection method: clinical testing. Allele origin: germline.
Comment: For these reasons, this variant has been classified as Pathogenic. This variant disrupts a region of the RPGR (ORF15) protein in which other variant(s) (p.Leu1130Lysfs*13) have been determined to be pathogenic (PMID: 22264887; Invitae). This suggests that this is a clinically significant region of the protein, and that variants that disrupt it are likely to be disease-causing. This variant has not been reported in the literature in individuals affected with RPGR (ORF15)-related conditions. This variant is not present in population databases (gnomAD no frequency). This sequence change creates a premature translational stop signal (p.Glu809Argfs*6) in the RPGR (ORF15) gene. While this is not anticipated to result in nonsense mediated decay, it is expected to disrupt the last 344 amino acid(s) of the RPGR (ORF15) protein.

Literature cited by the submitters: PubMed 22264887.

NM_001034853.2(RPGR):c.2424del (p.Glu809fs)

Gene: RPGR (retinitis pigmentosa GTPase regulator; minus strand). Cytogenetic location: Xp11.4.
Variant type: Deletion.
Coding change: c.2424del on transcript NM_001034853.2 (MANE Select); coding-DNA position 2424, one base deleted (A; older notation c.2424delA).
Protein change: p.Glu809fs; shifts the reading frame from glutamic acid 809.
Molecular consequence: frameshift variant. On other transcripts: intron variant (8).
Genome position (GRCh38, 1-based): chrX:38,286,575, T deleted on the plus strand (A on the coding strand, the reverse complement: RPGR is on the minus strand); the first of 5 consecutive T bases (chrX:38,286,575-38,286,579); deleting any one gives the same sequence. VCF-style (leftmost placement, unchanged base first): chrX-38286574-CT-C. GRCh37 (hg19) VCF-style: chrX-38145827-CT-C.
Other names: c.1569+4384del (NM_001367249.1, NM_001367250.1); c.1902+519del (NM_001367245.1); c.1386+4384del (NM_001367251.1); c.1719+519del (NM_001367246.1); c.1572+4384del (NM_001367247.1); c.1905+519del (NM_000328.3); c.1602+4384del (NM_001367248.1); short protein forms E809fs.
Identifiers: ClinVar variation 2751124 (VCV002751124.3), dbSNP rs2519791125, ClinGen allele CA2697553049.